The following is an entry in ClinVar:

ClinVar aggregate classification (germline): Uncertain significance. Review status: criteria provided, multiple submitters, no conflicts (2 of 4 stars). 3 submissions from 3 submitters: Uncertain significance (3). Last evaluated 2024-06-09.

Allele frequency attached by ClinVar (database versions not stated): ExAC 0.00007; gnomAD exomes 0.00007 and 0.00022; gnomAD 0.00011; TOPMed 0.00013; ESP Exome Variant Server 0.00031.
gnomAD v4.1: 330 of 1,613,712 alleles (0.02%); highest among the groups gnomAD compares: Non-Finnish European, 0.027%; no homozygotes.

Submissions (3):

Labcorp Genetics (formerly Invitae), Labcorp
Classification: Uncertain significance. Last evaluated: 2024-06-09. Review status: criteria provided, single submitter. Criteria: Invitae Variant Classification Sherloc (09022015). Collection method: clinical testing. Allele origin: germline.
Comment: This sequence change replaces proline, which is neutral and non-polar, with threonine, which is neutral and polar, at codon 1957 of the FBN3 protein (p.Pro1957Thr). This variant is present in population databases (rs150456985, gnomAD 0.02%). This variant has not been reported in the literature in individuals affected with FBN3-related conditions. ClinVar contains an entry for this variant (Variation ID: 808434). Advanced modeling of protein sequence and biophysical properties (such as structural, functional, and spatial information, amino acid conservation, physicochemical variation, residue mobility, and thermodynamic stability) has been performed at Invitae for this missense variant, however the output from this modeling did not meet the statistical confidence thresholds required to predict the impact of this variant on FBN3 protein function. In summary, the available evidence is currently insufficient to determine the role of this variant in disease. Therefore, it has been classified as a Variant of Uncertain Significance.

Ambry Genetics
Classification: Uncertain significance. Last evaluated: 2021-10-22. Review status: criteria provided, single submitter. Criteria: Ambry Variant Classification Scheme 2023. Collection method: clinical testing. Allele origin: germline.

CeGaT Center for Human Genetics Tuebingen
Classification: Uncertain significance. Last evaluated: 2018-03-01. Review status: criteria provided, single submitter. Criteria: CeGaT Center For Human Genetics Tuebingen Variant Classification Criteria Version 2. Collection method: clinical testing. Allele origin: germline. Affected: yes. Observed: 1 variant allele.

NM_032447.5(FBN3):c.5869C>A (p.Pro1957Thr)

Gene: FBN3 (fibrillin 3; minus strand). Cytogenetic location: 19p13.2.
Variant type: single nucleotide variant.
Coding change: c.5869C>A on transcript NM_032447.5 (MANE Select); coding-DNA position 5869, C replaced by A.
Protein change: p.Pro1957Thr; replaces proline 1957 with threonine.
Molecular consequence: missense variant.
Genome position (GRCh38, 1-based): chr19:8,094,482, G>T on the plus strand (C>A on the coding strand, the complement: FBN3 is on the minus strand). VCF-style: chr19-8094482-G-T. GRCh37 (hg19) VCF-style: chr19-8159366-G-T.
Other names: c.5869C>A, p.Pro1957Thr (NM_001321431.2); c.5869C>A (NM_032447.3); short protein forms P1957T.
Identifiers: ClinVar variation 808434 (VCV000808434.46), dbSNP rs150456985, ClinGen allele CA9151510.